The following is an entry in ClinVar:

NM_000245.4(MET):c.1890G>T (p.Met630Ile)

Gene: MET (MET proto-oncogene, receptor tyrosine kinase; plus strand). Cytogenetic location: 7q31.2.
Variant type: single nucleotide variant.
Coding change: c.1890G>T on transcript NM_000245.4 (MANE Select); coding-DNA position 1890, G replaced by T.
Protein change: p.Met630Ile; replaces methionine 630 with isoleucine.
Molecular consequence: missense variant.
Genome position (GRCh38, 1-based): chr7:116,757,464, G>T. VCF-style: chr7-116757464-G-T. GRCh37 (hg19) VCF-style: chr7-116397518-G-T.
Other names: c.1890G>T, p.Met630Ile (NM_001127500.3, NM_001324401.3); c.600G>T, p.Met200Ile (NM_001324402.2); short protein forms M200I, M630I.
Identifiers: ClinVar variation 1317318 (VCV001317318.6), dbSNP rs756209410, ClinGen allele CA4448315.

ClinVar aggregate classification (germline): Conflicting classifications of pathogenicity. Review status: criteria provided, conflicting classifications (1 of 4 stars). 3 submissions from 3 submitters: Uncertain significance (2); Likely benign (1). Last evaluated 2024-02-22.

Conditions:
Renal cell carcinoma. Identifiers: Orphanet 217071, MedGen C0007134, MeSH D002292, MONDO:0005086, HP:0005584.
Hereditary cancer-predisposing syndrome. Also called: Hereditary neoplastic syndrome; Neoplastic Syndromes, Hereditary; Tumor predisposition; Hereditary Cancer Syndrome. Identifiers: Orphanet 140162, MedGen C0027672, MeSH D009386, MONDO:0015356.

Allele frequency attached by ClinVar (database versions not stated): gnomAD exomes below 0.00001; ExAC 0.00001; TOPMed 0.00001.
gnomAD v4.1: 1 of 1,613,542 alleles (0.000062%); highest among the groups gnomAD compares: South Asian, 0.0011%; no homozygotes.

Submissions (3):

Ambry Genetics
Classification: Likely benign for Hereditary cancer-predisposing syndrome. Last evaluated: 2024-02-22. Review status: criteria provided, single submitter. Criteria: Ambry Variant Classification Scheme 2023. Collection method: clinical testing. Allele origin: germline.

Labcorp Genetics (formerly Invitae), Labcorp
Classification: Uncertain significance for Renal cell carcinoma. Last evaluated: 2023-06-05. Review status: criteria provided, single submitter. Criteria: Invitae Variant Classification Sherloc (09022015). Collection method: clinical testing. Allele origin: germline.
Comment: In summary, the available evidence is currently insufficient to determine the role of this variant in disease. Therefore, it has been classified as a Variant of Uncertain Significance. This variant is present in population databases (rs756209410, gnomAD 0.003%). This variant has not been reported in the literature in individuals affected with MET-related conditions. ClinVar contains an entry for this variant (Variation ID: 1317318). Algorithms developed to predict the effect of missense changes on protein structure and function output the following: SIFT: "Not Available"; PolyPhen-2: "Benign"; Align-GVGD: "Not Available". The isoleucine amino acid residue is found in multiple mammalian species, which suggests that this missense change does not adversely affect protein function. This sequence change replaces methionine, which is neutral and non-polar, with isoleucine, which is neutral and non-polar, at codon 630 of the MET protein (p.Met630Ile).

GeneDx
Classification: Uncertain significance. Last evaluated: 2020-05-11. Review status: criteria provided, single submitter. Criteria: GeneDx Variant Classification Process June 2021. Collection method: clinical testing. Allele origin: germline. Affected: yes.
Comment: Not observed at a significant frequency in large population cohorts (Lek 2016); In silico analysis supports that this missense variant does not alter protein structure/function; Has not been previously published as pathogenic or benign to our knowledge